The following is an entry in ClinVar:

ClinVar aggregate classification (germline): Likely benign (1 of 4 stars; one submission).

Allele frequency attached by ClinVar (database versions not stated): ExAC 0.00002; gnomAD exomes 0.00003; gnomAD 0.00007; TOPMed 0.00012; 1000 Genomes Project 30x 0.00016; 1000 Genomes Project 0.00020.
gnomAD v4.1: 63 of 1,614,214 alleles (0.0039%); highest among the groups gnomAD compares: African/African-American, 0.057%; no homozygotes.

Submission:

CeGaT Center for Human Genetics Tuebingen
Classification: Likely benign. Last evaluated: 2022-04-01. Review status: criteria provided, single submitter. Criteria: CeGaT Center For Human Genetics Tuebingen Variant Classification Criteria Version 2. Collection method: clinical testing. Allele origin: germline. Affected: yes. Observed: 1 variant allele.
Comment: ALDH9A1: BP4, BP7

NM_000696.4(ALDH9A1):c.729G>A (p.Leu243=)

Gene: ALDH9A1 (aldehyde dehydrogenase 9 family member A1; minus strand). Cytogenetic location: 1q24.1.
Variant type: single nucleotide variant.
Coding change: c.729G>A on transcript NM_000696.4 (MANE Select); coding-DNA position 729, G replaced by A.
Protein change: p.Leu243=; no amino-acid change (leucine 243 retained).
Molecular consequence: synonymous variant.
Genome position (GRCh38, 1-based): chr1:165,680,547, C>T on the plus strand (G>A on the coding strand, the complement: ALDH9A1 is on the minus strand). VCF-style: chr1-165680547-C-T. GRCh37 (hg19) VCF-style: chr1-165649784-C-T.
Other names: c.447G>A, p.Leu149= (NM_001365774.2).
Identifiers: ClinVar variation 2639526 (VCV002639526.24), dbSNP rs202016807, ClinGen allele CA1221085.
Genomic context (GRCh38, chr1:165,680,547, plus strand): 5'-CTTCATGCCAGTGGGCACACTTCCAGTGAAGGAGACTTTGGCCACATCGGGATGCTGACA[C>T]AGAAACTGGCCTGTGGCAGCCCCTCCCTGCACCACATTGAAGAGCCCAGGAGGTACACCA-3'
Protein context (NP_000687.3, residues 233-253): VQGGAATGQF[Leu243=]CQHPDVAKVS